The following is an entry in ClinVar:

ClinVar aggregate classification (germline): Uncertain significance (1 of 4 stars; one submission).

Submission:

Labcorp Genetics (formerly Invitae), Labcorp
Classification: Uncertain significance. Last evaluated: 2025-06-07. Review status: criteria provided, single submitter. Criteria: Invitae Variant Classification Sherloc (09022015). Collection method: clinical testing. Allele origin: germline.
Comment: This sequence change replaces serine, which is neutral and polar, with asparagine, which is neutral and polar, at codon 72 of the KDM6B protein (p.Ser72Asn). This variant is not present in population databases (gnomAD no frequency). This variant has not been reported in the literature in individuals affected with KDM6B-related conditions. An algorithm developed to predict the effect of missense changes on protein structure and function outputs the following: PolyPhen-2: "Not Available". The asparagine amino acid residue is found in multiple mammalian species, which suggests that this missense change does not adversely affect protein function. In summary, the available evidence is currently insufficient to determine the role of this variant in disease. Therefore, it has been classified as a Variant of Uncertain Significance.

NM_001348716.2(KDM6B):c.215G>A (p.Ser72Asn)

Gene: KDM6B (lysine demethylase 6B; plus strand). Cytogenetic location: 17p13.1.
Variant type: single nucleotide variant.
Coding change: c.215G>A on transcript NM_001348716.2 (MANE Select); coding-DNA position 215, G replaced by A.
Protein change: p.Ser72Asn; replaces serine 72 with asparagine.
Molecular consequence: missense variant.
Genome position (GRCh38, 1-based): chr17:7,845,949, G>A. VCF-style: chr17-7845949-G-A. GRCh37 (hg19) VCF-style: chr17-7749267-G-A.
Other names: c.215G>A, p.Ser72Asn (NM_001080424.2); short protein forms S72N.
Identifiers: ClinVar variation 4720932 (VCV004720932.1).